The following is an entry in ClinVar:

NM_000492.4(CFTR):c.142_145del (p.Asn48fs)

Gene: CFTR (CF transmembrane conductance regulator; plus strand). Cytogenetic location: 7q31.2.
Variant type: Deletion.
Coding change: c.142_145del on transcript NM_000492.4 (MANE Select); coding-DNA positions 142 to 145, 4 bases deleted (AATC; older notation c.142_145delAATC).
Protein change: p.Asn48fs; shifts the reading frame from asparagine 48.
Molecular consequence: frameshift variant.
Genome position (GRCh38, 1-based): chr7:117,504,341-117,504,344, AATC deleted; deleting any 4 consecutive bases within chr7:117,504,340-117,504,344 gives the same sequence; the c. name uses the placement nearest the transcript's 3' end. VCF-style (leftmost placement, unchanged base first): chr7-117504339-ACAAT-A. GRCh37 (hg19) VCF-style: chr7-117144393-ACAAT-A.
Other names: short protein forms N48fs.
Identifiers: ClinVar variation 1772239 (VCV001772239.5), dbSNP rs2484968388, ClinGen allele CA2580076284.

ClinVar aggregate classification (germline): Pathogenic. Review status: criteria provided, multiple submitters, no conflicts (2 of 4 stars). 2 submissions from 2 submitters: Pathogenic (2). Last evaluated 2023-02-08.

Conditions:
Cystic fibrosis (CF). Also called: MUCOVISCIDOSIS. Identifiers: Orphanet 586, MedGen C0010674, MONDO:0009061, OMIM 219700. Disease mechanism: loss of function.

Submissions (2):

Labcorp Genetics (formerly Invitae), Labcorp
Classification: Pathogenic for Cystic fibrosis. Last evaluated: 2023-02-08. Review status: criteria provided, single submitter. Criteria: Invitae Variant Classification Sherloc (09022015). Collection method: clinical testing. Allele origin: germline.
Comment: This sequence change creates a premature translational stop signal (p.Asn48Tyrfs*42) in the CFTR gene. It is expected to result in an absent or disrupted protein product. Loss-of-function variants in CFTR are known to be pathogenic (PMID: 1695717, 7691345, 9725922). This variant is not present in population databases (gnomAD no frequency). This premature translational stop signal has been observed in individual(s) with clinical features of cystic fibrosis (PMID: 26708955). ClinVar contains an entry for this variant (Variation ID: 1772239). For these reasons, this variant has been classified as Pathogenic.

Ambry Genetics
Classification: Pathogenic for Cystic fibrosis. Last evaluated: 2016-08-09. Review status: criteria provided, single submitter. Criteria: Ambry Variant Classification Scheme 2023. Collection method: clinical testing. Allele origin: germline.
Comment: The c.142_145delAATC pathogenic mutation, located in coding exon 2 of the CFTR gene, results from a deletion of 4 nucleotides at nucleotide positions 142 to 145, causing a translational frameshift with a predicted alternate stop codon (p.N48Yfs*42). This alteration is expected to result in loss of function by premature protein truncation or nonsense-mediated mRNA decay. As such, this alteration is interpreted as a disease-causing mutation.

Literature cited by the submitters: PubMed 1695717 (cited by Labcorp Genetics (formerly Invitae), Labcorp); PubMed 7691345 (cited by Labcorp Genetics (formerly Invitae), Labcorp); PubMed 9725922 (cited by Labcorp Genetics (formerly Invitae), Labcorp); PubMed 26708955 (cited by Labcorp Genetics (formerly Invitae), Labcorp and Ambry Genetics).